The following is an entry in ClinVar:

NC_012920.1(MT-TN):m.5705A>G

Gene: MT-TN (mitochondrially encoded tRNA asparagine; minus strand).
Variant type: single nucleotide variant.
Genome position: chrM-5705-A-G.
Identifiers: ClinVar variation 689977 (VCV000689977.1), dbSNP rs1556423024, ClinGen allele CA913180297.

ClinVar aggregate classification (germline): Likely benign (1 of 4 stars; one submission).

Conditions:
MELAS syndrome (MELAS). Also called: Juvenile myopathy, encephalopathy, lactic acidosis, stroke. Identifiers: Orphanet 550, MedGen C0162671, MONDO:0010789, OMIM 540000.

Submission:

Wong Mito Lab, Molecular and Human Genetics, Baylor College of Medicine
Classification: Likely benign for MELAS syndrome. Last evaluated: 2019-07-12. Review status: criteria provided, single submitter. Criteria: Modified ACMG Guidelines (Unpublished). Collection method: clinical testing. Allele origin: germline.
Comment: The NC_012920.1:m.5705A>G variant in MT-TN gene is interpreted to be a Likely Benign variant based on the modified ACMG guidelines (unpublished). This variant meets the following evidence codes reported in the guidelines: BS1, BP4, BP5, BP6

Literature cited by the submitters: PubMed 31965079.